The following is an entry in ClinVar:

NM_000709.4(BCKDHA):c.108+325C>T

Gene: BCKDHA (branched chain keto acid dehydrogenase E1 subunit alpha; plus strand). Cytogenetic location: 19q13.2.
Variant type: single nucleotide variant.
Coding change: c.108+325C>T on transcript NM_000709.4 (MANE Select); 325 bases into the intron after coding-DNA position 108, C replaced by T.
Molecular consequence: intron variant.
Genome position (GRCh38, 1-based): chr19:41,398,260, C>T. VCF-style: chr19-41398260-C-T. GRCh37 (hg19) VCF-style: chr19-41904165-C-T.
Other names: c.108+325C>T (NM_001164783.2).
Identifiers: ClinVar variation 680490 (VCV000680490.1), dbSNP rs3810174, ClinGen allele CA14703007.
Genomic context (GRCh38, chr19:41,398,260, plus strand): 5'-GGGTTCCTTATTAGCTGCCACTGGTATTCAGGGGAGGCTCCTTGGAGGAACAGGGGAAGA[C>T]CGCAAGACCTTCTCCCTCAGGGTTTGGAGAATGAAACTGACTTTGTAAGGGAGGGACTTT-3'

ClinVar aggregate classification (germline): Benign (1 of 4 stars; one submission).

Allele frequency attached by ClinVar (database versions not stated): 1000 Genomes Project 0.57308; 1000 Genomes Project 30x 0.57651; TOPMed 0.61456; gnomAD 0.61914 and 0.62598.
gnomAD v4.1: 94,144 of 151,874 alleles (62%); highest among the groups gnomAD compares: African/African-American, 70%; 29,646 homozygotes.

Submission:

GeneDx
Classification: Benign. Last evaluated: 2018-06-19. Review status: criteria provided, single submitter. Criteria: GeneDx Variant Classification (06012015). Collection method: clinical testing. Allele origin: germline. Affected: yes.
Comment: This variant is considered likely benign or benign based on one or more of the following criteria: it is a conservative change, it occurs at a poorly conserved position in the protein, it is predicted to be benign by multiple in silico algorithms, and/or has population frequency not consistent with disease.